The following is an entry in ClinVar:

ClinVar aggregate classification (germline): Likely benign (0 of 4 stars; one submission).

Conditions:
PLXNA3-related disorder. Also called: PLXNA3-related condition.

Allele frequency attached by ClinVar (database versions not stated): ExAC 0.00032; gnomAD 0.00073; TOPMed 0.00075; ESP Exome Variant Server 0.00123; 1000 Genomes Project 0.00132; 1000 Genomes Project 30x 0.00146.
gnomAD v4.1: 133 of 1,147,355 alleles (0.012%); highest among the groups gnomAD compares: African/African-American, 0.22%; 1 homozygote.

Submission:

PreventionGenetics, part of Exact Sciences
Classification: Likely benign for PLXNA3-related condition. Last evaluated: 2022-03-17. Review status: no assertion criteria provided. Collection method: clinical testing. Allele origin: germline.
Comment: This variant is classified as likely benign based on ACMG/AMP sequence variant interpretation guidelines (Richards et al. 2015 PMID: 25741868, with internal and published modifications).

NM_017514.5(PLXNA3):c.1314G>C (p.Lys438Asn)

Gene: PLXNA3 (plexin A3; plus strand). Cytogenetic location: Xq28.
Variant type: single nucleotide variant.
Coding change: c.1314G>C on transcript NM_017514.5 (MANE Select); coding-DNA position 1314, G replaced by C.
Protein change: p.Lys438Asn; replaces lysine 438 with asparagine.
Molecular consequence: missense variant.
Genome position (GRCh38, 1-based): chrX:154,462,307, G>C. VCF-style: chrX-154462307-G-C. GRCh37 (hg19) VCF-style: chrX-153690647-G-C.
Other names: short protein forms K438N.
Identifiers: ClinVar variation 3052170 (VCV003052170.2), dbSNP rs145756790, ClinGen allele CA10563987.
Genomic context (GRCh38, chrX:154,462,307, plus strand): 5'-CGCCTACACCTACCGCCAGCACTCTGTGGTCTTCATTGGCACGCGCAGCGGCAGCTTGAA[G>C]AAGGTGGCCCCCAGAGCCCTGGGCATGTGGGGGTGGGGACAGTCTCAGATATGGGACAAG-3'
Protein context (NP_059984.3, residues 428-448): VFIGTRSGSL[Lys438Asn]KVRVDGFQDA